The following is an entry in ClinVar:

NM_000169.3(GLA):c.706T>C (p.Trp236Arg)

Genes: GLA (galactosidase alpha; minus strand), RPL36A-HNRNPH2 (RPL36A-HNRNPH2 readthrough; plus strand). Cytogenetic location: Xq22.1.
Variant type: single nucleotide variant.
Coding change: c.706T>C on transcript NM_000169.3 (MANE Select); coding-DNA position 706, T replaced by C.
Protein change: p.Trp236Arg; replaces tryptophan 236 with arginine.
Molecular consequence: missense variant. On other transcripts: non-coding transcript variant (3), intron variant (2).
Genome position (GRCh38, 1-based): chrX:101,398,880, A>G on the plus strand (T>C on the coding strand, the complement: GLA is on the minus strand). VCF-style: chrX-101398880-A-G. GRCh37 (hg19) VCF-style: chrX-100653868-A-G.
Other names: c.829T>C, p.Trp277Arg (NM_001406747.1); c.706T>C, p.Trp236Arg (NM_001406748.1); c.300+3423A>G (NM_001199973.2); c.177+7058A>G (NM_001199974.2); short protein forms W236R, W277R.
Identifiers: ClinVar variation 928486 (VCV000928486.4), dbSNP rs1555985148, ClinGen allele CA413924696.

ClinVar aggregate classification (germline): Pathogenic/Likely pathogenic. Review status: criteria provided, multiple submitters, no conflicts (2 of 4 stars). 3 submissions from 3 submitters: Pathogenic (2); Likely pathogenic (1). Last evaluated 2026-09-08.

Conditions:
Fabry disease. Also called: Fabry's disease; Angiokeratoma corporis diffusum; CERAMIDE TRIHEXOSIDASE DEFICIENCY; GLA DEFICIENCY; HEREDITARY DYSTOPIC LIPIDOSIS; ALPHA-GALACTOSIDASE A DEFICIENCY. Identifiers: Orphanet 324, MedGen C0002986, MONDO:0010526, OMIM 301500, HP:0001071. Disease mechanism: loss of function, Fabry disease is due to inactivating mutations in the X-linked GLA gene resulting in deficiency of the enzyme Alpha Galactosidase-A..

Allele frequency attached by ClinVar (database versions not stated): gnomAD exomes below 0.00001 and 0.00001; TOPMed below 0.00001.
gnomAD v4.1: 1 of 1,207,451 alleles (0.000083%); highest among the groups gnomAD compares: African/African-American, 0.0017%; no homozygotes.

Submissions (3):

Genomenon, Inc
Classification: Pathogenic for Fabry disease. Last evaluated: 2026-09-08. Review status: criteria provided, single submitter. Criteria: Genomenon Sequence Variant Interpretation Standards - Updated. Collection method: curation. Allele origin: germline. Affected: yes.
Comment: GLA p.Trp236Arg (c.706T>C) is a missense variant that changes the amino acid at codon 236 from Tryptophan to Arginine. This variant has been observed in at least one proband with clinical features consistent with Fabry disease (PMID:24015197;17804462;33437642;16595074). At least one functional study has demonstrated a substantial alteration in protein function relative to the wild-type (PMID:27657681). This variant is located in a mutational hotspot and/or important functional domain. It is absent or not present at a significant frequency in gnomAD. In silico models predict that this variant is possibly or probably damaging. In conclusion, we classify GLA p.Trp236Arg (c.706T>C) as a pathogenic variant.

GeneDx
Classification: Likely pathogenic. Last evaluated: 2023-06-29. Review status: criteria provided, single submitter. Criteria: GeneDx Variant Classification Process June 2021. Collection method: clinical testing. Allele origin: germline. Affected: yes.
Comment: In silico analysis supports that this missense variant has a deleterious effect on protein structure/function; Not observed at significant frequency in large population cohorts (gnomAD); This variant is associated with the following publications: (PMID: 25382311, 24386359, 23430526, 16595074, 33437642)

Women's Health and Genetics/Laboratory Corporation of America, LabCorp
Classification: Pathogenic for Fabry disease. Last evaluated: 2019-04-23. Review status: criteria provided, single submitter. Criteria: LabCorp Variant Classification Summary - May 2015. Collection method: clinical testing. Allele origin: germline.
Comment: Variant summary: GLA c.706T>C (p.Trp236Arg) results in a non-conservative amino acid change in the encoded protein sequence. Five of five in-silico tools predict a damaging effect of the variant on protein function. The variant allele was found at a frequency of 5.4e-06 in 183489 control chromosomes. c.706T>C has been reported in the literature in individuals affected with Fabry Disease (Shabbeer_2006, Terryn_2012). Cells grown from patient samples were found to have 1% alpha-Gal A activity compared to normal, and was not responsive to the pharmacological chaperone 1-deoxygalactonojirimycin (DGJ) (Shin_2008). In addition, multiple variants located at this position (W236C, W236L, W236X) and nearby (D234E, D234Y, S235C, S235F, S235Y, S238N, I239M) have been reported in affected Fabry disease patients indicating a mutational hot spot. No clinical diagnostic laboratories have submitted clinical-significance assessments for this variant to ClinVar after 2014. Based on the evidence outlined above, the variant was classified as pathogenic.

Literature cited by the submitters: PubMed 24015197 (cited by Genomenon, Inc); PubMed 17804462 (cited by Genomenon, Inc); PubMed 33437642 (cited by Genomenon, Inc); PubMed 16595074 (cited by Genomenon, Inc and Women's Health and Genetics/Laboratory Corporation of America, LabCorp); PubMed 27657681 (cited by Genomenon, Inc); PubMed 18698230 (cited by Women's Health and Genetics/Laboratory Corporation of America, LabCorp); PubMed 24386359 (cited by Women's Health and Genetics/Laboratory Corporation of America, LabCorp); PubMed 23430526 (cited by Women's Health and Genetics/Laboratory Corporation of America, LabCorp).